The following is an entry in ClinVar:

NM_183381.3(RNF13):c.377C>A (p.Ser126Tyr)

Gene: RNF13 (ring finger protein 13; plus strand). Cytogenetic location: 3q25.1.
Variant type: single nucleotide variant.
Coding change: c.377C>A on transcript NM_183381.3 (MANE Select); coding-DNA position 377, C replaced by A.
Protein change: p.Ser126Tyr; replaces serine 126 with tyrosine.
Molecular consequence: missense variant. On other transcripts: 5 prime UTR variant (1), non-coding transcript variant (1).
Genome position (GRCh38, 1-based): chr3:149,895,528, C>A. VCF-style: chr3-149895528-C-A. GRCh37 (hg19) VCF-style: chr3-149613315-C-A.
Other names: c.377C>A, p.Ser126Tyr (NM_001378285.1, NM_001378286.1, NM_007282.4); c.10C>A, p.Leu4Met (NM_001378287.1, NM_001378288.1, NM_001378289.1 and 2 more transcripts); c.-17C>A (NM_001378291.1); short protein forms L4M, S126Y.
Identifiers: ClinVar variation 1407731 (VCV001407731.8), dbSNP rs1458533397, ClinGen allele CA355010881.

ClinVar aggregate classification (germline): Uncertain significance (1 of 4 stars; one submission).

Allele frequency attached by ClinVar (database versions not stated): gnomAD exomes below 0.00001; TOPMed below 0.00001; gnomAD 0.00001.
gnomAD v4.1: 2 of 1,604,870 alleles (0.00012%); highest among the groups gnomAD compares: Non-Finnish European, 0.00017%; no homozygotes.

Submission:

Labcorp Genetics (formerly Invitae), Labcorp
Classification: Uncertain significance. Last evaluated: 2021-02-07. Review status: criteria provided, single submitter. Criteria: Invitae Variant Classification Sherloc (09022015). Collection method: clinical testing. Allele origin: germline.
Comment: In summary, the available evidence is currently insufficient to determine the role of this variant in disease. Therefore, it has been classified as a Variant of Uncertain Significance. Algorithms developed to predict the effect of missense changes on protein structure and function are either unavailable or do not agree on the potential impact of this missense change (SIFT: "Tolerated"; PolyPhen-2: "Possibly Damaging"; Align-GVGD: "Class C0"). This variant is not present in population databases (ExAC no frequency). This variant has not been reported in the literature in individuals with RNF13-related conditions. This sequence change replaces serine with tyrosine at codon 126 of the RNF13 protein (p.Ser126Tyr). The serine residue is moderately conserved and there is a large physicochemical difference between serine and tyrosine.